The following is an entry in ClinVar:

NM_006231.4(POLE):c.631del (p.Lys210_Ile211insTer)

Gene: POLE (DNA polymerase epsilon, catalytic subunit; minus strand). Cytogenetic location: 12q24.33.
Variant type: Deletion.
Coding change: c.631del on transcript NM_006231.4 (MANE Select); coding-DNA position 631, one base deleted (A; older notation c.631delA).
Protein change: p.Lys210_Ile211insTer.
Molecular consequence: nonsense.
Genome position (GRCh38, 1-based): chr12:132,677,667, T deleted on the plus strand (A on the coding strand, the reverse complement: POLE is on the minus strand). VCF-style (leftmost placement, unchanged base first): chr12-132677666-AT-A. GRCh37 (hg19) VCF-style: chr12-133254252-AT-A.
Identifiers: ClinVar variation 3935689 (VCV003935689.1).
Genomic context (GRCh38, chr12:132,677,666, plus strand): 5'-CGGATGTGGTAGGGAACATCGTACTCGCGCATGTCCACAATGTTGTCCAACTGGTCAGCT[AT>A]CTTCTTAGAGGTTTCCTCTTCATCAGTAATGACACCGCCCCTCTGCAGAACACTAGGAAT-3'

ClinVar aggregate classification (germline): Uncertain significance (1 of 4 stars; one submission).

Conditions:
Hereditary cancer-predisposing syndrome. Also called: Tumor predisposition; Hereditary neoplastic syndrome; Hereditary Cancer Syndrome; Neoplastic Syndromes, Hereditary. Identifiers: Orphanet 140162, MedGen C0027672, MeSH D009386, MONDO:0015356.

Submission:

Ambry Genetics
Classification: Uncertain significance for Hereditary cancer-predisposing syndrome. Last evaluated: 2025-03-15. Review status: criteria provided, single submitter. Criteria: Ambry Variant Classification Scheme 2023. Collection method: clinical testing. Allele origin: germline.
Comment: The c.631delA variant, located in coding exon 7 of the POLE gene, results from a deletion of one nucleotide at nucleotide position 631, causing a translational frameshift with a predicted alternate stop codon (p.I211*). This alteration is expected to result in loss of function by premature protein truncation or nonsense-mediated mRNA decay. Although biallelic loss of function of POLE has been associated with autosomal recessive POLE deficiency, haploinsufficiency of POLE has not been established as a mechanism of disease for POLE-related polymerase proofreading-associated polyposis (PPAP) and POLE-related CMMRD-like syndrome. Based on the supporting evidence, this variant is expected to be causative of POLE deficiency when present along with a second pathogenic variant on the other allele; however, its clinical significance for PPAP and POLE-related CMMRD-like syndrome is unclear.